The following is an entry in ClinVar:

NM_004990.4(MARS1):c.2631_2635dup (p.Leu879fs)

Gene: MARS1 (methionyl-tRNA synthetase 1; plus strand). Cytogenetic location: 12q13.3.
Variant type: Duplication.
Coding change: c.2631_2635dup on transcript NM_004990.4 (MANE Select); coding-DNA positions 2631 to 2635, 5 bases duplicated (GGATC; older notation c.2631_2635dupGGATC).
Protein change: p.Leu879fs; shifts the reading frame from leucine 879.
Molecular consequence: frameshift variant.
Genome position (GRCh38, 1-based): chr12:57,516,509-57,516,513, GGATC duplicated. VCF-style (leftmost placement, unchanged base first): chr12-57516508-T-TGGATC. GRCh37 (hg19) VCF-style: chr12-57910291-T-TGGATC.
Other names: c.2631_2635dupGGATC (NM_004990.3); c.2631_2635dup5 (NM_004990.3); short protein forms L879fs.
Identifiers: ClinVar variation 542170 (VCV000542170.10), dbSNP rs1172463219, ClinGen allele CA605705362.

ClinVar aggregate classification (germline): Uncertain significance. Review status: criteria provided, single submitter (1 of 4 stars). 2 submissions from 2 submitters: Uncertain significance (1). 1 of the submissions does not count toward it. Last evaluated 2022-03-02.

Conditions:
MARS1-related disorder. Also called: MARS1-related condition.
Severe early-onset pulmonary alveolar proteinosis due to MARS deficiency. Also called: PULMONARY ALVEOLAR PROTEINOSIS, REUNION ISLAND; Interstitial lung and liver disease. Identifiers: Orphanet 440427, MedGen C4225400, MONDO:0014206, OMIM 615486.
Charcot-Marie-Tooth disease axonal type 2U. Also called: CHARCOT-MARIE-TOOTH NEUROPATHY, TYPE 2U; CHARCOT-MARIE-TOOTH DISEASE, AXONAL, AUTOSOMAL DOMINANT, TYPE 2U. Identifiers: Orphanet 397735, MedGen C4084821, MONDO:0014566, OMIM 616280.

Allele frequency attached by ClinVar (database versions not stated): TOPMed below 0.00001; gnomAD 0.00001; gnomAD exomes 0.00001.

Submissions (2):

Labcorp Genetics (formerly Invitae), Labcorp
Classification: Uncertain significance for Charcot-Marie-Tooth disease axonal type 2U; Severe early-onset pulmonary alveolar proteinosis due to MARS deficiency. Last evaluated: 2022-03-02. Review status: criteria provided, single submitter. Criteria: Invitae Variant Classification Sherloc (09022015). Collection method: clinical testing. Allele origin: germline.
Comment: Experimental studies and prediction algorithms are not available or were not evaluated, and the functional significance of this variant is currently unknown. In summary, the available evidence is currently insufficient to determine the role of this variant in disease. Therefore, it has been classified as a Variant of Uncertain Significance. ClinVar contains an entry for this variant (Variation ID: 542170). This variant has not been reported in the literature in individuals affected with MARS-related conditions. This variant is present in population databases (no rsID available, gnomAD 0.002%). This sequence change creates a premature translational stop signal (p.Leu879Argfs*3) in the MARS gene. While this is not anticipated to result in nonsense mediated decay, it is expected to disrupt the last 22 amino acid(s) of the MARS protein.

PreventionGenetics, part of Exact Sciences
Classification: Uncertain significance for MARS1-related condition. Last evaluated: 2023-12-01. Review status: no assertion criteria provided. Collection method: clinical testing. Allele origin: germline. Not counted in ClinVar's aggregate classification.
Comment: The MARS1 c.2631_2635dup5 variant is predicted to result in a frameshift and premature protein termination (p.Leu879Argfs*3). To our knowledge, this variant has not been reported in the literature. This variant is reported in 0.0018% of alleles in individuals of European (Non-Finnish) descent in gnomAD. Of note, not many loss of functions have been reported in the MARS1. In addition, this variant is present in the last exon of the gene and the impact on protein function in unknown. At this time, the clinical significance of this variant is uncertain due to the absence of conclusive functional and genetic evidence.